The following is an entry in ClinVar:

ClinVar aggregate classification (germline): Uncertain significance (1 of 4 stars; one submission).

Conditions:
Cardiovascular phenotype. Identifiers: MedGen CN230736.

Submission:

Ambry Genetics
Classification: Uncertain significance for Cardiovascular phenotype. Last evaluated: 2024-01-01. Review status: criteria provided, single submitter. Criteria: Ambry Variant Classification Scheme 2023. Collection method: clinical testing. Allele origin: germline.
Comment: The p.E126Q variant (also known as c.376G>C), located in coding exon 1 of the RASA1 gene, results from a G to C substitution at nucleotide position 376. The glutamic acid at codon 126 is replaced by glutamine, an amino acid with highly similar properties. This amino acid position is conserved. In addition, this alteration is predicted to be tolerated by in silico analysis. Since supporting evidence is limited at this time, the clinical significance of this alteration remains unclear.

NM_002890.3(RASA1):c.376G>C (p.Glu126Gln)

Gene: RASA1 (RAS p21 protein activator 1; plus strand). Cytogenetic location: 5q14.3.
Variant type: single nucleotide variant.
Coding change: c.376G>C on transcript NM_002890.3 (MANE Select); coding-DNA position 376, G replaced by C.
Protein change: p.Glu126Gln; replaces glutamic acid 126 with glutamine.
Molecular consequence: missense variant.
Genome position (GRCh38, 1-based): chr5:87,268,827, G>C. VCF-style: chr5-87268827-G-C. GRCh37 (hg19) VCF-style: chr5-86564644-G-C.
Other names: short protein forms E126Q.
Identifiers: ClinVar variation 3222917 (VCV003222917.1), dbSNP rs2531003316, ClinGen allele CA360417270.